The following is an entry in ClinVar:

ClinVar aggregate classification (germline): Likely benign (1 of 4 stars; one submission).

gnomAD v4.1: 5 of 1,603,650 alleles (0.00031%); highest among the groups gnomAD compares: Non-Finnish European, 0.00043%; no homozygotes.

Submission:

CeGaT Center for Human Genetics Tuebingen
Classification: Likely benign. Last evaluated: 2026-08-01. Review status: criteria provided, single submitter. Criteria: CeGaT Center For Human Genetics Tuebingen Variant Classification Criteria Version 2. Collection method: clinical testing. Allele origin: germline. Affected: yes. Observed: 1 variant allele.
Comment: MPDZ: BP4, BP7

NM_001378778.1(MPDZ):c.405A>G (p.Val135=)

Gene: MPDZ (multiple PDZ domain crumbs cell polarity complex component; minus strand). Cytogenetic location: 9p23.
Variant type: single nucleotide variant.
Coding change: c.405A>G on transcript NM_001378778.1 (MANE Select); coding-DNA position 405, A replaced by G.
Protein change: p.Val135=; no amino-acid change (valine 135 retained).
Molecular consequence: synonymous variant.
Genome position (GRCh38, 1-based): chr9:13,223,699, T>C on the plus strand (A>G on the coding strand, the complement: MPDZ is on the minus strand). VCF-style: chr9-13223699-T-C. GRCh37 (hg19) VCF-style: chr9-13223698-T-C.
Other names: c.405A>G, p.Val135= (NM_003829.5, NM_001261406.2, NM_001261407.2 and 14 more transcripts).
Identifiers: ClinVar variation 5040396 (VCV005040396.1).
Genomic context (GRCh38, chr9:13,223,699, plus strand): 5'-TAGTCCCACAACACTAAACCCAAGGCCTCCAGATGGAGGTTTGAGGAGCTCAAAAACTTC[T>C]ACATGGCGACCCTGTTTAGGAAACAAAGCAAGAAATAAAACTAAAAGCCAGGCCATGCAT-3'
Protein context (NP_001365707.1, residues 125-145): LIKNMAQGRH[Val135=]EVFELLKPPS